The following is an entry in ClinVar:

GRCh37/hg19 11q13.2(chr11:66472691-66475714)x1

Gene: SPTBN2 (spectrin beta, non-erythrocytic 2; minus strand). Cytogenetic location: 11q13.2.
Variant type: copy number loss.
Change: copy number 1 (one copy instead of two) of chr11:66,472,691-66,475,714 (3.0 kb, GRCh37 coordinates, 1-based), cytogenetic band 11q13.2.
Identifiers: ClinVar variation 3338468 (VCV003338468.1).

ClinVar aggregate classification (germline): Likely pathogenic (0 of 4 stars; one submission).

Conditions:
Autosomal recessive spinocerebellar ataxia 14. Also called: CEREBELLAR ATAXIA, AUTOSOMAL RECESSIVE, SPECTRIN-ASSOCIATED, 1. Identifiers: Orphanet 352403, MedGen C4706415, MONDO:0014159, OMIM 615386.

Submission:

Solve-RD Consortium
Classification: Likely pathogenic for Autosomal recessive spinocerebellar ataxia 14. Last evaluated: 2024-06-01. Review status: no assertion criteria provided. Collection method: provider interpretation. Allele origin: germline. Affected: yes.
Comment: This CNV was confirmed by the submitting clinician to impact a gene that corresponds with the phenotype of the affected individual, and thus deemed to be causative for their condition.

Literature cited by the submitters: PubMed 39825153.